The following is an entry in ClinVar:

ClinVar aggregate classification (germline): Benign. Review status: criteria provided, multiple submitters, no conflicts (2 of 4 stars). 6 submissions from 6 submitters: Benign (6). Last evaluated 2026-02-03.

Conditions:
Pseudohypoaldosteronism type 2E (PHA2E). Also called: Pseudohypoaldosteronism Type IIE. Identifiers: Orphanet 300530, Orphanet 757, MedGen C3469606, MONDO:0013782, OMIM 614496.

Allele frequency attached by ClinVar (database versions not stated): gnomAD exomes 0.15035 and 0.18528; ESP Exome Variant Server 0.17523; gnomAD 0.18293 and 0.18597; ExAC 0.18566; TOPMed 0.19121; 1000 Genomes Project 30x 0.23189; 1000 Genomes Project 0.23263.
gnomAD v4.1: 243,474 of 1,578,040 alleles (15%); highest among the groups gnomAD compares: East Asian, 29%; 21,159 homozygotes.

Submissions (6):

Labcorp Genetics (formerly Invitae), Labcorp
Classification: Benign. Last evaluated: 2026-02-03. Review status: criteria provided, single submitter. Criteria: Invitae Variant Classification Sherloc (09022015). Collection method: clinical testing. Allele origin: germline.

Blueprint Genetics
Classification: Benign. Last evaluated: 2024-11-26. Review status: criteria provided, single submitter. Criteria: ACMG Guidelines, 2015. Collection method: clinical testing. Allele origin: germline.

GeneDx
Classification: Benign. Last evaluated: 2018-11-12. Review status: criteria provided, single submitter. Criteria: GeneDx Variant Classification Process June 2021. Collection method: clinical testing. Allele origin: germline. Affected: yes.

Illumina Laboratory Services, Illumina
Classification: Benign for Pseudohypoaldosteronism type 2E. Last evaluated: 2018-01-12. Review status: criteria provided, single submitter. Criteria: ICSL Variant Classification Criteria 13 December 2019. Collection method: clinical testing. Allele origin: germline.
Comment: This variant was observed in the ICSL laboratory as part of a predisposition screen in an ostensibly healthy population. It had not been previously curated by ICSL or reported in the Human Gene Mutation Database (HGMD: prior to June 1st, 2018), and was therefore a candidate for classification through an automated scoring system. Utilizing variant allele frequency, disease prevalence and penetrance estimates, and inheritance mode, an automated score was calculated to assess if this variant is too frequent to cause the disease. Based on the score and internal cut-off values, a variant classified as benign is not then subjected to further curation. The score for this variant resulted in a classification of benign for this disease.

Breakthrough Genomics
Classification: Benign. Review status: criteria provided, single submitter. Criteria: ACMG Guidelines, 2015. Collection method: not provided. Allele origin: germline. Inheritance: Autosomal dominant inheritance. Affected: yes.

PreventionGenetics, part of Exact Sciences
Classification: Benign. Review status: criteria provided, single submitter. Criteria: ACMG Guidelines, 2015. Collection method: clinical testing. Allele origin: germline.

NM_003590.5(CUL3):c.1485+13G>A

Gene: CUL3 (cullin 3; minus strand). Cytogenetic location: 2q36.2.
Variant type: single nucleotide variant.
Coding change: c.1485+13G>A on transcript NM_003590.5 (MANE Select); 13 bases into the intron after coding-DNA position 1485, G replaced by A.
Molecular consequence: intron variant.
Genome position (GRCh38, 1-based): chr2:224,502,952, C>T on the plus strand (G>A on the coding strand, the complement: CUL3 is on the minus strand). VCF-style: chr2-224502952-C-T. GRCh37 (hg19) VCF-style: chr2-225367669-C-T.
Other names: c.1287+13G>A (NM_001257197.2); c.1503+13G>A (NM_001257198.2).
Identifiers: ClinVar variation 259090 (VCV000259090.20), dbSNP rs3754629, ClinGen allele CA2139977.